The following is an entry in ClinVar:

ClinVar aggregate classification (germline): Uncertain significance (1 of 4 stars; one submission).

gnomAD v4.1: 5 of 1,613,844 alleles (0.00031%); highest among the groups gnomAD compares: Non-Finnish European, 0.00042%; no homozygotes.

Submission:

Labcorp Genetics (formerly Invitae), Labcorp
Classification: Uncertain significance. Last evaluated: 2022-08-22. Review status: criteria provided, single submitter. Criteria: Invitae Variant Classification Sherloc (09022015). Collection method: clinical testing. Allele origin: germline.
Comment: This sequence change replaces arginine, which is basic and polar, with leucine, which is neutral and non-polar, at codon 627 of the WHRN protein (p.Arg627Leu). This variant is present in population databases (rs191854666, gnomAD 0.002%). This variant has not been reported in the literature in individuals affected with WHRN-related conditions. ClinVar contains an entry for this variant (Variation ID: 1055559). Algorithms developed to predict the effect of missense changes on protein structure and function output the following: SIFT: "Tolerated"; PolyPhen-2: "Benign"; Align-GVGD: "Class C0". The leucine amino acid residue is found in multiple mammalian species, which suggests that this missense change does not adversely affect protein function. In summary, the available evidence is currently insufficient to determine the role of this variant in disease. Therefore, it has been classified as a Variant of Uncertain Significance.

NM_015404.4(WHRN):c.1880G>T (p.Arg627Leu)

Gene: WHRN (whirlin; minus strand). Cytogenetic location: 9q32.
Variant type: single nucleotide variant.
Coding change: c.1880G>T on transcript NM_015404.4 (MANE Select); coding-DNA position 1880, G replaced by T.
Protein change: p.Arg627Leu; replaces arginine 627 with leucine.
Molecular consequence: missense variant.
Genome position (GRCh38, 1-based): chr9:114,406,711, C>A on the plus strand (G>T on the coding strand, the complement: WHRN is on the minus strand). VCF-style: chr9-114406711-C-A. GRCh37 (hg19) VCF-style: chr9-117168991-C-A.
Other names: c.731G>T, p.Arg244Leu (NM_001083885.3); c.1880G>T, p.Arg627Leu (NM_001173425.2); c.827G>T, p.Arg276Leu (NM_001346890.1); short protein forms R244L, R276L, R627L.
Identifiers: ClinVar variation 1055559 (VCV001055559.7), dbSNP rs191854666, ClinGen allele CA198650196.